The following is an entry in ClinVar:

NM_015178.3(RHOBTB2):c.1884C>T (p.Ala628=)

Gene: RHOBTB2 (Rho related BTB domain containing 2; plus strand). Cytogenetic location: 8p21.3.
Variant type: single nucleotide variant.
Coding change: c.1884C>T on transcript NM_015178.3 (MANE Select); coding-DNA position 1884, C replaced by T.
Protein change: p.Ala628=; no amino-acid change (alanine 628 retained).
Molecular consequence: synonymous variant.
Genome position (GRCh38, 1-based): chr8:23,015,661, C>T. VCF-style: chr8-23015661-C-T. GRCh37 (hg19) VCF-style: chr8-22873174-C-T.
Other names: c.1950C>T, p.Ala650= (NM_001160036.2); c.1905C>T, p.Ala635= (NM_001160037.2); c.1884C>T, p.Ala628= (NM_001374791.1).
Identifiers: ClinVar variation 4873551 (VCV004873551.2).

ClinVar aggregate classification (germline): Likely benign (1 of 4 stars; one submission).

gnomAD v4.1: 5 of 1,613,460 alleles (0.00031%); highest among the groups gnomAD compares: African/African-American, 0.0027%; no homozygotes.

Submission:

CeGaT Center for Human Genetics Tuebingen
Classification: Likely benign. Last evaluated: 2026-05-01. Review status: criteria provided, single submitter. Criteria: CeGaT Center For Human Genetics Tuebingen Variant Classification Criteria Version 2. Collection method: clinical testing. Allele origin: germline. Affected: yes. Observed: 1 variant allele.
Comment: RHOBTB2: BP4, BP7